The following is an entry in ClinVar:

NM_001206744.2(TPO):c.2286C>T (p.Arg762=)

Genes: LALTOP (lung cancer associated lncRNA targeting TOP2A; minus strand), TPO (thyroid peroxidase; plus strand). Cytogenetic location: 2p25.3.
Variant type: single nucleotide variant.
Coding change: c.2286C>T on transcript NM_001206744.2 (MANE Select); coding-DNA position 2286, C replaced by T.
Protein change: p.Arg762=; no amino-acid change (arginine 762 retained).
Molecular consequence: synonymous variant.
Genome position (GRCh38, 1-based): chr2:1,496,665, C>T. VCF-style: chr2-1496665-C-T. GRCh37 (hg19) VCF-style: chr2-1500437-C-T.
Other names: c.2286C>T, p.Arg762= (NM_000547.6, NM_175721.3); c.2115C>T, p.Arg705= (NM_001206745.2, NM_175719.4); c.1767C>T, p.Arg589= (NM_175722.3).
Identifiers: ClinVar variation 331368 (VCV000331368.10), dbSNP rs13429240, ClinGen allele CA1512029.

ClinVar aggregate classification (germline): Benign. Review status: criteria provided, multiple submitters, no conflicts (2 of 4 stars). 4 submissions from 4 submitters: Benign (4). Last evaluated 2026-05-11.

Conditions:
Deficiency of iodide peroxidase (TDH2A). Also called: Thyroid dyshormonogenesis 2A; HYPOTHYROIDISM, CONGENITAL, DUE TO DYSHORMONOGENESIS, 2A; IODIDE PEROXIDASE DEFICIENCY; THYROID HORMONOGENESIS, GENETIC DEFECT IN, 2A; THYROID PEROXIDASE DEFICIENCY. Identifiers: Orphanet 95716, MedGen C1291299, MONDO:0010133, OMIM 274500.

Allele frequency attached by ClinVar (database versions not stated): TOPMed 0.05244; ESP Exome Variant Server 0.05620; gnomAD exomes 0.01238; gnomAD 0.04651 and 0.04976; 1000 Genomes Project 0.05851; 1000 Genomes Project 30x 0.06199; ExAC 0.01573.
gnomAD v4.1: 14,379 of 1,613,924 alleles (0.89%); highest among the groups gnomAD compares: African/African-American, 17%; 1,090 homozygotes.

Submissions (4):

Women's Health and Genetics/Laboratory Corporation of America, LabCorp
Classification: Benign. Last evaluated: 2026-05-11. Review status: criteria provided, single submitter. Criteria: LabCorp Variant Classification Summary - May 2015. Collection method: clinical testing. Allele origin: germline.

Labcorp Genetics (formerly Invitae), Labcorp
Classification: Benign. Last evaluated: 2026-02-02. Review status: criteria provided, single submitter. Criteria: Invitae Variant Classification Sherloc (09022015). Collection method: clinical testing. Allele origin: germline.

Illumina Laboratory Services, Illumina
Classification: Benign for Deficiency of iodide peroxidase. Last evaluated: 2018-01-12. Review status: criteria provided, single submitter. Criteria: ICSL Variant Classification Criteria 13 December 2019. Collection method: clinical testing. Allele origin: germline.
Comment: This variant was observed in the ICSL laboratory as part of a predisposition screen in an ostensibly healthy population. It had not been previously curated by ICSL or reported in the Human Gene Mutation Database (HGMD: prior to June 1st, 2018), and was therefore a candidate for classification through an automated scoring system. Utilizing variant allele frequency, disease prevalence and penetrance estimates, and inheritance mode, an automated score was calculated to assess if this variant is too frequent to cause the disease. Based on the score and internal cut-off values, a variant classified as benign is not then subjected to further curation. The score for this variant resulted in a classification of benign for this disease.

Breakthrough Genomics
Classification: Benign. Review status: criteria provided, single submitter. Criteria: ACMG Guidelines, 2015. Collection method: not provided. Allele origin: germline. Inheritance: Autosomal recessive inheritance. Affected: yes.